The following is an entry in ClinVar:

NM_002473.6(MYH9):c.*136C>A

Gene: MYH9 (myosin heavy chain 9; minus strand). Cytogenetic location: 22q12.3.
Variant type: single nucleotide variant.
Coding change: c.*136C>A on transcript NM_002473.6 (MANE Select); 136 bases downstream of the stop codon, C replaced by A.
Molecular consequence: 3 prime UTR variant.
Genome position (GRCh38, 1-based): chr22:36,282,532, G>T on the plus strand (C>A on the coding strand, the complement: MYH9 is on the minus strand). VCF-style: chr22-36282532-G-T. GRCh37 (hg19) VCF-style: chr22-36678578-G-T.
Identifiers: ClinVar variation 341486 (VCV000341486.7), dbSNP rs115869378, ClinGen allele CA10653458.

ClinVar aggregate classification (germline): Benign. Review status: criteria provided, multiple submitters, no conflicts (2 of 4 stars). 4 submissions from 3 submitters: Benign (4). Last evaluated 2018-10-01.

Conditions:
Autosomal dominant nonsyndromic hearing loss 17. Also called: Autosomal dominant nonsyndromic deafness 17; Deafness, autosomal dominant 17. Identifiers: Orphanet 90635, MedGen C1863659, MONDO:0011350, OMIM 603622.
MYH9-related disorder. Identifiers: MedGen C1854520.

Allele frequency attached by ClinVar (database versions not stated): gnomAD 0.02508 and 0.02697; 1000 Genomes Project 0.02756; TOPMed 0.02852; 1000 Genomes Project 30x 0.02858.
gnomAD v4.1: 6,128 of 864,218 alleles (0.71%); highest among the groups gnomAD compares: African/African-American, 8.6%; 242 homozygotes.

Submissions (4):

GeneDx
Classification: Benign. Last evaluated: 2018-10-01. Review status: criteria provided, single submitter. Criteria: GeneDx Variant Classification Process June 2021. Collection method: clinical testing. Allele origin: germline. Affected: yes.

Illumina Laboratory Services, Illumina
Classification: Benign for MYH9-related disorder. Last evaluated: 2018-01-13. Review status: criteria provided, single submitter. Criteria: ICSL Variant Classification Criteria 13 December 2019. Collection method: clinical testing. Allele origin: germline.
Comment: This variant was observed in the ICSL laboratory as part of a predisposition screen in an ostensibly healthy population. It had not been previously curated by ICSL or reported in the Human Gene Mutation Database (HGMD: prior to June 1st, 2018), and was therefore a candidate for classification through an automated scoring system. Utilizing variant allele frequency, disease prevalence and penetrance estimates, and inheritance mode, an automated score was calculated to assess if this variant is too frequent to cause the disease. Based on the score and internal cut-off values, a variant classified as benign is not then subjected to further curation. The score for this variant resulted in a classification of benign for this disease.

Illumina Laboratory Services, Illumina
Classification: Benign for Autosomal dominant nonsyndromic hearing loss 17. Last evaluated: 2018-01-13. Review status: criteria provided, single submitter. Criteria: ICSL Variant Classification Criteria 13 December 2019. Collection method: clinical testing. Allele origin: germline.
Comment: the same text as in the submission from Illumina Laboratory Services, Illumina above.

Breakthrough Genomics
Classification: Benign. Review status: criteria provided, single submitter. Criteria: ACMG Guidelines, 2015. Collection method: not provided. Allele origin: germline. Inheritance: Autosomal dominant inheritance. Affected: yes.